The following is an entry in ClinVar:

ClinVar aggregate classification (germline): Uncertain significance (1 of 4 stars; one submission).

Conditions:
Inborn genetic diseases. Identifiers: MedGen C0950123, MeSH D030342.

Submission:

Ambry Genetics
Classification: Uncertain significance for Inborn genetic diseases. Last evaluated: 2026-04-13. Review status: criteria provided, single submitter. Criteria: Ambry Variant Classification Scheme 2023. Collection method: clinical testing. Allele origin: germline.
Comment: The p.D1019Y variant (also known as c.3055G>T), located in coding exon 1 of the SAMD9 gene, results from a G to T substitution at nucleotide position 3055. The aspartic acid at codon 1019 is replaced by tyrosine, an amino acid with highly dissimilar properties. This amino acid position is conserved. In addition, this alteration is predicted to be tolerated by in silico analysis. Based on the available evidence, the clinical significance of this variant remains unclear.

NM_017654.4(SAMD9):c.3055G>T (p.Asp1019Tyr)

Gene: SAMD9 (sterile alpha motif domain containing 9; minus strand). Cytogenetic location: 7q21.2.
Variant type: single nucleotide variant.
Coding change: c.3055G>T on transcript NM_017654.4 (MANE Select); coding-DNA position 3055, G replaced by T.
Protein change: p.Asp1019Tyr; replaces aspartic acid 1019 with tyrosine.
Molecular consequence: missense variant.
Genome position (GRCh38, 1-based): chr7:93,103,043, C>A on the plus strand (G>T on the coding strand, the complement: SAMD9 is on the minus strand). VCF-style: chr7-93103043-C-A. GRCh37 (hg19) VCF-style: chr7-92732356-C-A.
Other names: c.3055G>T, p.Asp1019Tyr (NM_001193307.2); short protein forms D1019Y.
Identifiers: ClinVar variation 4863812 (VCV004863812.1).
Genomic context (GRCh38, chr7:93,103,043, plus strand): 5'-GTCTTGTGAGTAGGAGTGTGTGCATATCTTGCAAAAATTTACTTTTTCCCATACCAGTAT[C>A]GAAGAACAAATTCTCAGTTAGCATATCCAACATAATTTGACTTTTATTCAGGTGATAGCT-3'
Protein context (NP_060124.2, residues 1009-1029): LDMLTENLFF[Asp1019Tyr]TGMGKSKFLQ